The following is an entry in ClinVar:

ClinVar aggregate classification (germline): Uncertain significance (1 of 4 stars; one submission).

Conditions:
PROKR2-related disorder. Also called: PROKR2-related condition.

gnomAD v4.1: 24 of 1,614,202 alleles (0.0015%); highest among the groups gnomAD compares: Non-Finnish European, 0.0019%; no homozygotes.

Submission:

PreventionGenetics, part of Exact Sciences
Classification: Uncertain significance for PROKR2-related condition. Last evaluated: 2023-02-16. Review status: criteria provided, single submitter. Criteria: ACMG Guidelines, 2015. Collection method: clinical testing. Allele origin: germline.
Comment: The PROKR2 c.770G>T variant is predicted to result in the amino acid substitution p.Gly257Val. To our knowledge, this variant has not been reported in the literature or in a large population database, indicating this variant is rare. At this time, the clinical significance of this variant is uncertain due to the absence of conclusive functional and genetic evidence.

NM_144773.4(PROKR2):c.770G>T (p.Gly257Val)

Gene: PROKR2 (prokineticin receptor 2; minus strand). Cytogenetic location: 20p12.3.
Variant type: single nucleotide variant.
Coding change: c.770G>T on transcript NM_144773.4 (MANE Select); coding-DNA position 770, G replaced by T.
Protein change: p.Gly257Val; replaces glycine 257 with valine.
Molecular consequence: missense variant.
Genome position (GRCh38, 1-based): chr20:5,302,425, C>A on the plus strand (G>T on the coding strand, the complement: PROKR2 is on the minus strand). VCF-style: chr20-5302425-C-A. GRCh37 (hg19) VCF-style: chr20-5283071-C-A.
Other names: short protein forms G257V.
Identifiers: ClinVar variation 2630400 (VCV002630400.1), dbSNP rs772347118, ClinGen allele CA408166968.